The following is an entry in ClinVar:

ClinVar aggregate classification (germline): Uncertain significance (1 of 4 stars; one submission).

Submission:

GeneDx
Classification: Uncertain significance. Last evaluated: 2026-03-21. Review status: criteria provided, single submitter. Criteria: GeneDx Variant Classification Process June 2021. Collection method: clinical testing. Allele origin: germline.
Comment: Not observed at significant frequency in large population cohorts (gnomAD); In silico analysis supports that this missense variant has a deleterious effect on protein structure/function; Has not been previously published as pathogenic or benign to our knowledge

NM_001127222.2(CACNA1A):c.3647C>T (p.Pro1216Leu)

Gene: CACNA1A (calcium voltage-gated channel subunit alpha1 A; minus strand). Cytogenetic location: 19p13.13.
Variant type: single nucleotide variant.
Coding change: c.3647C>T on transcript NM_001127222.2 (MANE Select); coding-DNA position 3647, C replaced by T.
Protein change: p.Pro1216Leu; replaces proline 1216 with leucine.
Molecular consequence: missense variant.
Genome position (GRCh38, 1-based): chr19:13,285,113, G>A on the plus strand (C>T on the coding strand, the complement: CACNA1A is on the minus strand). VCF-style: chr19-13285113-G-A. GRCh37 (hg19) VCF-style: chr19-13395927-G-A.
Other names: c.3659C>T, p.Pro1220Leu (NM_000068.4, NM_023035.3); c.3650C>T, p.Pro1217Leu (NM_001127221.2, NM_001174080.2); short protein forms P1216L, P1217L, P1220L.
Identifiers: ClinVar variation 4531150 (VCV004531150.2).
Genomic context (GRCh38, chr19:13,285,113, plus strand): 5'-GGGGGCCATACTCACGGGTTGGTCGTGGACAGGATGAACATGGAGCTATAGGGAGGCATT[G>A]GCTTAGGGCCGTCTTCCCCACGGTCGTCTTCCTCCTCCTCCTTCTTCTCTTCCTCTTTTT-3'
Protein context (NP_001120694.1, residues 1206-1226): EDDRGEDGPK[Pro1216Leu]MPPYSSMFIL